The following is an entry in ClinVar:

NM_001134363.3(RBM20):c.3592G>T (p.Ala1198Ser)

Gene: RBM20 (RNA binding motif protein 20; plus strand). Cytogenetic location: 10q25.2.
Variant type: single nucleotide variant.
Coding change: c.3592G>T on transcript NM_001134363.3 (MANE Select); coding-DNA position 3592, G replaced by T.
Protein change: p.Ala1198Ser; replaces alanine 1198 with serine.
Molecular consequence: missense variant.
Genome position (GRCh38, 1-based): chr10:110,835,886, G>T. VCF-style: chr10-110835886-G-T. GRCh37 (hg19) VCF-style: chr10-112595644-G-T.
Other names: short protein forms A1198S.
Identifiers: ClinVar variation 3706374 (VCV003706374.3).

ClinVar aggregate classification (germline): Uncertain significance. Review status: criteria provided, multiple submitters, no conflicts (2 of 4 stars). 2 submissions from 2 submitters: Uncertain significance (2). Last evaluated 2026-01-14.

Conditions:
Dilated cardiomyopathy 1DD (CMD1DD). Identifiers: Orphanet 154, MedGen C2750995, MONDO:0013168, OMIM 613172.

gnomAD v4.1: 12 of 1,550,128 alleles (0.00077%); highest among the groups gnomAD compares: Non-Finnish European, 0.00087%; no homozygotes.

Submissions (2):

Labcorp Genetics (formerly Invitae), Labcorp
Classification: Uncertain significance for Dilated cardiomyopathy 1DD. Last evaluated: 2026-01-14. Review status: criteria provided, single submitter. Criteria: Invitae Variant Classification Sherloc (09022015). Collection method: clinical testing. Allele origin: germline.
Comment: This sequence change replaces alanine, which is neutral and non-polar, with serine, which is neutral and polar, at codon 1198 of the RBM20 protein (p.Ala1198Ser). This variant is present in population databases (no rsID available, gnomAD 0.002%). This missense change has been observed in individual(s) with dilated cardiomyopathy (PMID: 26688388). ClinVar contains an entry for this variant (Variation ID: 3706374). Invitae Evidence Modeling of protein sequence and biophysical properties (such as structural, functional, and spatial information, amino acid conservation, physicochemical variation, residue mobility, and thermodynamic stability) has been performed for this missense variant. However, the output from this modeling did not meet the statistical confidence thresholds required to predict the impact of this variant on RBM20 protein function. In summary, the available evidence is currently insufficient to determine the role of this variant in disease. Therefore, it has been classified as a Variant of Uncertain Significance.

Blueprint Genetics
Classification: Uncertain significance. Last evaluated: 2024-09-06. Review status: criteria provided, single submitter. Criteria: ACMG Guidelines, 2015. Collection method: clinical testing. Allele origin: germline.

Literature cited by the submitters: PubMed 26688388 (cited by Labcorp Genetics (formerly Invitae), Labcorp).